The following is an entry in ClinVar:

ClinVar aggregate classification (germline): Benign. Review status: criteria provided, multiple submitters, no conflicts (2 of 4 stars). 2 submissions from 2 submitters: Benign (2). Last evaluated 2026-09-01.

Allele frequency attached by ClinVar (database versions not stated): 1000 Genomes Project 0.00519; 1000 Genomes Project 30x 0.00593; ESP Exome Variant Server 0.00635; gnomAD 0.00771; gnomAD exomes 0.01081; ExAC 0.01766.
gnomAD v4.1: 16,043 of 1,520,252 alleles (1.1%); highest among the groups gnomAD compares: Middle Eastern, 1.6%; 97 homozygotes.

Submissions (2):

CeGaT Center for Human Genetics Tuebingen
Classification: Benign. Last evaluated: 2026-09-01. Review status: criteria provided, single submitter. Criteria: CeGaT Center For Human Genetics Tuebingen Variant Classification Criteria Version 2. Collection method: clinical testing. Allele origin: germline. Affected: yes. Observed: 14 variant alleles.
Comment: UNC13A: BP4, BP7, BS1, BS2

Mayo Clinic Laboratories, Mayo Clinic
Classification: Benign. Last evaluated: 2023-03-17. Review status: criteria provided, single submitter. Criteria: ACMG Guidelines, 2015. Collection method: clinical testing. Allele origin: germline. Observed: 19 variant alleles.
Comment: BS1, BS2, BP4, BP7

NM_001080421.3(UNC13A):c.771C>G (p.Pro257=)

Gene: UNC13A (unc-13 homolog A; minus strand). Cytogenetic location: 19p13.11.
Variant type: single nucleotide variant.
Coding change: c.771C>G on transcript NM_001080421.3 (MANE Select); coding-DNA position 771, C replaced by G.
Protein change: p.Pro257=; no amino-acid change (proline 257 retained).
Molecular consequence: synonymous variant.
Genome position (GRCh38, 1-based): chr19:17,656,395, G>C on the plus strand (C>G on the coding strand, the complement: UNC13A is on the minus strand). VCF-style: chr19-17656395-G-C. GRCh37 (hg19) VCF-style: chr19-17767204-G-C.
Other names: p.Pro257=; c.771C>G, p.Pro257= (NM_001387021.1, NM_001387022.1, NM_001387023.1); c.771C>G (NM_001080421.2).
Identifiers: ClinVar variation 2649552 (VCV002649552.25), dbSNP rs146739681, ClinGen allele CA9298657.
Genomic context (GRCh38, chr19:17,656,395, plus strand): 5'-GCTCAGCTGAGAGCTTCCCTGGCTCAGCTCCCCGGAAGAGGCATAGCGGCTGCTACCCGT[G>C]GGGCTGTGGGGATGGAACAGGGTTCAGGGACTGGGGTACCGAGTCACTGCCCACCTGAGC-3'
Protein context (NP_001073890.2, residues 247-267): EEFSEPQALS[Pro257=]TGSSRYASSG